The following is an entry in ClinVar:

ClinVar aggregate classification (germline): Uncertain significance (1 of 4 stars; one submission).

Submission:

Labcorp Genetics (formerly Invitae), Labcorp
Classification: Uncertain significance. Last evaluated: 2022-07-19. Review status: criteria provided, single submitter. Criteria: Invitae Variant Classification Sherloc (09022015). Collection method: clinical testing. Allele origin: germline.
Comment: This sequence change replaces leucine, which is neutral and non-polar, with arginine, which is basic and polar, at codon 167 of the CTR9 protein (p.Leu167Arg). In summary, the available evidence is currently insufficient to determine the role of this variant in disease. Therefore, it has been classified as a Variant of Uncertain Significance. Algorithms developed to predict the effect of missense changes on protein structure and function are either unavailable or do not agree on the potential impact of this missense change (SIFT: "Deleterious"; PolyPhen-2: "Probably Damaging"; Align-GVGD: "Class C0"). ClinVar contains an entry for this variant (Variation ID: 1009136). This variant has not been reported in the literature in individuals affected with CTR9-related conditions. This variant is not present in population databases (gnomAD no frequency).

NM_014633.5(CTR9):c.500T>G (p.Leu167Arg)

Gene: CTR9 (CTR9 component of Paf1/RNA polymerase II complex; plus strand). Cytogenetic location: 11p15.4.
Variant type: single nucleotide variant.
Coding change: c.500T>G on transcript NM_014633.5 (MANE Select); coding-DNA position 500, T replaced by G.
Protein change: p.Leu167Arg; replaces leucine 167 with arginine.
Molecular consequence: missense variant.
Genome position (GRCh38, 1-based): chr11:10,755,793, T>G. VCF-style: chr11-10755793-T-G. GRCh37 (hg19) VCF-style: chr11-10777340-T-G.
Other names: c.500T>G, p.Leu167Arg (NM_001346279.2); short protein forms L167R.
Identifiers: ClinVar variation 1009136 (VCV001009136.8), dbSNP rs1862875393, ClinGen allele CA379661048.